The following is an entry in ClinVar:

ClinVar aggregate classification (germline): Uncertain significance (1 of 4 stars; one submission).

Conditions:
MYH1-related disorder. Also called: MYH1-related condition.

Submission:

PreventionGenetics, part of Exact Sciences
Classification: Uncertain significance for MYH1-related condition. Last evaluated: 2026-07-16. Review status: criteria provided, single submitter. Criteria: ACMG Guidelines, 2015. Collection method: clinical testing. Allele origin: germline.
Comment: The MYH1 c.406A>G variant is predicted to result in the amino acid substitution p.Asn136Asp. To our knowledge, this variant has not been reported in the literature or in a large population database (gnomAD), indicating this variant is rare. At this time, the clinical significance of this variant is uncertain due to the absence of conclusive functional and genetic evidence.

NM_005963.4(MYH1):c.406A>G (p.Asn136Asp)

Genes: MYH1 (myosin heavy chain 1; minus strand), MYHAS (myosin heavy chain gene cluster antisense RNA; plus strand). Cytogenetic location: 17p13.1.
Variant type: single nucleotide variant.
Coding change: c.406A>G on transcript NM_005963.4 (MANE Select); coding-DNA position 406, A replaced by G.
Protein change: p.Asn136Asp; replaces asparagine 136 with aspartic acid.
Molecular consequence: missense variant.
Genome position (GRCh38, 1-based): chr17:10,516,025, T>C on the plus strand (A>G on the coding strand, the complement: MYH1 is on the minus strand). VCF-style: chr17-10516025-T-C. GRCh37 (hg19) VCF-style: chr17-10419342-T-C.
Other names: short protein forms N136D.
Identifiers: ClinVar variation 4994076 (VCV004994076.1).